The following is an entry in ClinVar:

NM_001872.5(CPB2):c.1090C>T (p.Leu364=)

Genes: CPB2 (carboxypeptidase B2; minus strand), CPB2-AS1 (CPB2 antisense RNA 1; plus strand). Cytogenetic location: 13q14.13.
Variant type: single nucleotide variant.
Coding change: c.1090C>T on transcript NM_001872.5 (MANE Select); coding-DNA position 1090, C replaced by T.
Protein change: p.Leu364=; no amino-acid change (leucine 364 retained).
Molecular consequence: synonymous variant.
Genome position (GRCh38, 1-based): chr13:46,053,796, G>A on the plus strand (C>T on the coding strand, the complement: CPB2 is on the minus strand). VCF-style: chr13-46053796-G-A. GRCh37 (hg19) VCF-style: chr13-46627931-G-A.
Other names: c.979C>T, p.Leu327= (NM_001278541.2).
Identifiers: ClinVar variation 3390023 (VCV003390023.14).

ClinVar aggregate classification (germline): Likely benign (1 of 4 stars; one submission).

Submission:

CeGaT Center for Human Genetics Tuebingen
Classification: Likely benign. Last evaluated: 2024-11-01. Review status: criteria provided, single submitter. Criteria: CeGaT Center For Human Genetics Tuebingen Variant Classification Criteria Version 2. Collection method: clinical testing. Allele origin: germline. Affected: yes. Observed: 1 variant allele.
Comment: CPB2: PM2:Supporting, BP4, BP7